The following is an entry in ClinVar:

ClinVar aggregate classification (germline): Uncertain significance (1 of 4 stars; one submission).

Conditions:
Dilated cardiomyopathy 1G (CMD1G). Identifiers: Orphanet 154, MedGen C1858763, MONDO:0011400, OMIM 604145.
Autosomal recessive limb-girdle muscular dystrophy type 2J (LGMDR10). Also called: Limb-girdle muscular dystrophy, type 2J; MUSCULAR DYSTROPHY, LIMB-GIRDLE, AUTOSOMAL RECESSIVE 10. Identifiers: Orphanet 140922, MedGen C1837342, MONDO:0012127, OMIM 608807.

gnomAD v4.1: 6 of 1,613,884 alleles (0.00037%); highest among the groups gnomAD compares: Non-Finnish European, 0.00042%; no homozygotes.

Submission:

Labcorp Genetics (formerly Invitae), Labcorp
Classification: Uncertain significance for Dilated cardiomyopathy 1G; Autosomal recessive limb-girdle muscular dystrophy type 2J. Last evaluated: 2025-08-20. Review status: criteria provided, single submitter. Criteria: Invitae Variant Classification Sherloc (09022015). Collection method: clinical testing. Allele origin: germline.
Comment: This sequence change replaces threonine, which is neutral and polar, with isoleucine, which is neutral and non-polar, at codon 35400 of the TTN protein (p.Thr35400Ile). This variant is not present in population databases (gnomAD no frequency). This variant has not been reported in the literature in individuals affected with TTN-related conditions. Experimental studies and prediction algorithms are not available or were not evaluated, and the functional significance of this variant is currently unknown. This variant is located in the M band of TTN (PMID: 25589632). Non-truncating variants in this region may be relevant for neuromuscular disorders, but have not been definitively shown to cause cardiomyopathy (PMID: 23975875). In summary, the available evidence is currently insufficient to determine the role of this variant in disease. Therefore, it has been classified as a Variant of Uncertain Significance.

Literature cited by the submitters: PubMed 25589632; PubMed 23975875.

NM_001267550.2(TTN):c.106199C>T (p.Thr35400Ile)

Genes: TTN (titin; minus strand), TTN-AS1 (TTN antisense RNA 1; plus strand). Cytogenetic location: 2q31.2.
Variant type: single nucleotide variant.
Coding change: c.106199C>T on transcript NM_001267550.2 (MANE Select); coding-DNA position 106199, C replaced by T.
Protein change: p.Thr35400Ile; replaces threonine 35400 with isoleucine.
Molecular consequence: missense variant.
Genome position (GRCh38, 1-based): chr2:178,530,416, G>A on the plus strand (C>T on the coding strand, the complement: TTN is on the minus strand). VCF-style: chr2-178530416-G-A. GRCh37 (hg19) VCF-style: chr2-179395143-G-A.
Other names: c.101276C>T, p.Thr33759Ile (NM_001256850.1); c.79004C>T, p.Thr26335Ile (NM_003319.4); c.98495C>T, p.Thr32832Ile (NM_133378.4); c.79379C>T, p.Thr26460Ile (NM_133432.3); c.79580C>T, p.Thr26527Ile (NM_133437.4); short protein forms T26335I, T35400I, T26460I, T26527I, T32832I, T33759I.
Identifiers: ClinVar variation 4782433 (VCV004782433.1).